The following is an entry in ClinVar:

ClinVar aggregate classification (germline): Uncertain significance (1 of 4 stars; one submission).

gnomAD v4.1: 16 of 1,612,520 alleles (0.00099%); highest among the groups gnomAD compares: Non-Finnish European, 0.000085%; no homozygotes.

Submission:

Labcorp Genetics (formerly Invitae), Labcorp
Classification: Uncertain significance. Last evaluated: 2024-09-20. Review status: criteria provided, single submitter. Criteria: Invitae Variant Classification Sherloc (09022015). Collection method: clinical testing. Allele origin: germline.
Comment: This sequence change replaces cysteine, which is neutral and slightly polar, with glycine, which is neutral and non-polar, at codon 314 of the NSMF protein (p.Cys314Gly). This variant is present in population databases (rs775330254, gnomAD 0.05%). This variant has not been reported in the literature in individuals affected with NSMF-related conditions. Invitae Evidence Modeling of protein sequence and biophysical properties (such as structural, functional, and spatial information, amino acid conservation, physicochemical variation, residue mobility, and thermodynamic stability) indicates that this missense variant is not expected to disrupt NSMF protein function with a negative predictive value of 80%. In summary, the available evidence is currently insufficient to determine the role of this variant in disease. Therefore, it has been classified as a Variant of Uncertain Significance.

NM_001130969.3(NSMF):c.946T>G (p.Cys316Gly)

Gene: NSMF (NMDA receptor synaptonuclear signaling and neuronal migration factor; minus strand). Cytogenetic location: 9q34.3.
Variant type: single nucleotide variant.
Coding change: c.946T>G on transcript NM_001130969.3 (MANE Select); coding-DNA position 946, T replaced by G.
Protein change: p.Cys316Gly; replaces cysteine 316 with glycine.
Molecular consequence: missense variant.
Genome position (GRCh38, 1-based): chr9:137,453,157, A>C on the plus strand (T>G on the coding strand, the complement: NSMF is on the minus strand). VCF-style: chr9-137453157-A-C. GRCh37 (hg19) VCF-style: chr9-140347609-A-C.
Other names: c.877T>G, p.Cys293Gly (NM_001130970.2); c.871T>G, p.Cys291Gly (NM_001130971.2); c.856T>G, p.Cys286Gly (NM_001178064.2); c.940T>G, p.Cys314Gly (NM_015537.5); short protein forms C286G, C291G, C293G, C314G, C316G.
Identifiers: ClinVar variation 3603800 (VCV003603800.2).